The following is an entry in ClinVar:

NM_053013.4(ENO3):c.212A>G (p.Asn71Ser)

Gene: ENO3 (enolase 3; plus strand). Cytogenetic location: 17p13.2.
Variant type: single nucleotide variant.
Coding change: c.212A>G on transcript NM_053013.4 (MANE Select); coding-DNA position 212, A replaced by G.
Protein change: p.Asn71Ser; replaces asparagine 71 with serine.
Molecular consequence: missense variant. On other transcripts: intron variant (1).
Genome position (GRCh38, 1-based): chr17:4,953,081, A>G. VCF-style: chr17-4953081-A-G. GRCh37 (hg19) VCF-style: chr17-4856376-A-G.
Other names: c.212A>G, p.Asn71Ser (NM_001976.5); c.181+191A>G (NM_001193503.2); short protein forms N71S.
Identifiers: ClinVar variation 324136 (VCV000324136.22), dbSNP rs238238, ClinGen allele CA8316200.
Genomic context (GRCh38, chr17:4,953,081, plus strand): 5'-GCTCCAAAACTCATCCTCTGGCCTGTCTAGGAGTCCTGAAGGCTGTGGAGAACATCAACA[A>G]TACTCTGGGCCCTGCTCTGCTGCAAAAGGCAAGTGGGGAAGCCCGCTCGCTGCAGCCTCC-3'
Protein context (NP_443739.3, residues 61-81): GVLKAVENIN[Asn71Ser]TLGPALLQKK

ClinVar aggregate classification (germline): Benign/Likely benign. Review status: criteria provided, multiple submitters, no conflicts (2 of 4 stars). 7 submissions from 7 submitters: Benign (5); Likely benign (1). 1 of the submissions does not count toward it. Last evaluated 2026-02-04.

Conditions:
Glycogen storage disease due to muscle beta-enolase deficiency (GSD13). Also called: Glycogen Storage Disease Type XIII; ENOLASE 3 DEFICIENCY; ENOLASE-BETA DEFICIENCY; GSD XIII. Identifiers: Orphanet 99849, MedGen C2752027, MONDO:0013046, OMIM 612932.

Allele frequency attached by ClinVar (database versions not stated): 1000 Genomes Project 0.56410; 1000 Genomes Project 30x 0.56746; gnomAD 0.64684 and 0.65415; gnomAD exomes 0.64920 and 0.68071; ExAC 0.64928; TOPMed 0.65879; ESP Exome Variant Server 0.66908.
gnomAD v4.1: 1,092,884 of 1,613,860 alleles (68%); highest among the groups gnomAD compares: Admixed American, 74%; 374,841 homozygotes.

Submissions (7):

Labcorp Genetics (formerly Invitae), Labcorp
Classification: Benign for Glycogen storage disease due to muscle beta-enolase deficiency. Last evaluated: 2026-02-04. Review status: criteria provided, single submitter. Criteria: Invitae Variant Classification Sherloc (09022015). Collection method: clinical testing. Allele origin: germline.

Blueprint Genetics
Classification: Likely benign. Last evaluated: 2024-11-28. Review status: criteria provided, single submitter. Criteria: ACMG Guidelines, 2015. Collection method: clinical testing. Allele origin: germline.

Genome-Nilou Lab
Classification: Benign for Glycogen storage disease due to muscle beta-enolase deficiency. Last evaluated: 2021-07-30. Review status: criteria provided, single submitter. Criteria: ACMG Guidelines, 2015. Collection method: clinical testing. Allele origin: germline. Affected: no.

Illumina Laboratory Services, Illumina
Classification: Benign for Glycogen storage disease due to muscle beta-enolase deficiency. Last evaluated: 2018-01-12. Review status: criteria provided, single submitter. Criteria: ICSL Variant Classification Criteria 13 December 2019. Collection method: clinical testing. Allele origin: germline.
Comment: This variant was observed in the ICSL laboratory as part of a predisposition screen in an ostensibly healthy population. It had not been previously curated by ICSL or reported in the Human Gene Mutation Database (HGMD: prior to June 1st, 2018), and was therefore a candidate for classification through an automated scoring system. Utilizing variant allele frequency, disease prevalence and penetrance estimates, and inheritance mode, an automated score was calculated to assess if this variant is too frequent to cause the disease. Based on the score and internal cut-off values, a variant classified as benign is not then subjected to further curation. The score for this variant resulted in a classification of benign for this disease.

GeneDx
Classification: Benign. Last evaluated: 2015-12-02. Review status: criteria provided, single submitter. Criteria: GeneDx Variant Classification (06012015). Collection method: clinical testing. Allele origin: germline. Affected: yes.
Comment: This variant is considered likely benign or benign based on one or more of the following criteria: it is a conservative change, it occurs at a poorly conserved position in the protein, it is predicted to be benign by multiple in silico algorithms, and/or has population frequency not consistent with disease.

Breakthrough Genomics
Classification: Benign. Review status: criteria provided, single submitter. Criteria: ACMG Guidelines, 2015. Collection method: not provided. Allele origin: germline. Inheritance: Autosomal recessive inheritance. Affected: yes.

Mayo Clinic Laboratories, Mayo Clinic
Classification: Benign. Last evaluated: 2015-10-19. Review status: no assertion criteria provided. Collection method: clinical testing. Allele origin: unknown. Not counted in ClinVar's aggregate classification.